The following is an entry in ClinVar:

NM_016604.4(KDM3B):c.109G>A (p.Asp37Asn)

Genes: KDM3B (lysine demethylase 3B; plus strand), LOC129994737 (ATAC-STARR-seq lymphoblastoid silent region 16394; plus strand). Cytogenetic location: 5q31.2.
Variant type: single nucleotide variant.
Coding change: c.109G>A on transcript NM_016604.4 (MANE Select); coding-DNA position 109, G replaced by A.
Protein change: p.Asp37Asn; replaces aspartic acid 37 with asparagine.
Molecular consequence: missense variant.
Genome position (GRCh38, 1-based): chr5:138,352,904, G>A. VCF-style: chr5-138352904-G-A. GRCh37 (hg19) VCF-style: chr5-137688593-G-A.
Other names: short protein forms D37N.
Identifiers: ClinVar variation 4983678 (VCV004983678.1).

ClinVar aggregate classification (germline): Uncertain significance (1 of 4 stars; one submission).

Conditions:
KDM3B-related disorder. Also called: KDM3B-related condition.

Submission:

PreventionGenetics, part of Exact Sciences
Classification: Uncertain significance for KDM3B-related condition. Last evaluated: 2025-05-15. Review status: criteria provided, single submitter. Criteria: ACMG Guidelines, 2015. Collection method: clinical testing. Allele origin: germline.
Comment: The KDM3B c.109G>A variant is predicted to result in the amino acid substitution p.Asp37Asn. To our knowledge, this variant has not been reported in the literature. This variant is reported in 0.0030% of alleles in individuals of European (Non-Finnish) descent in gnomAD. At this time, the clinical significance of this variant is uncertain due to the absence of conclusive functional and genetic evidence.